The following is an entry in ClinVar:

ClinVar aggregate classification (germline): Pathogenic (1 of 4 stars; one submission).

Submission:

Ambry Genetics
Classification: Pathogenic. Last evaluated: 2025-08-20. Review status: criteria provided, single submitter. Criteria: Ambry Variant Classification Scheme 2023. Collection method: clinical testing. Allele origin: germline.
Comment: The c.2227C>T (p.Q743*) alteration, located in exon 19 (coding exon 19) of the GIGYF1 gene, consists of a C to T substitution at nucleotide position 2227. This changes the amino acid from a glutamine (Q) to a stop codon at amino acid position 743. This alteration is expected to result in loss of function by premature protein truncation or nonsense-mediated mRNA decay. This variant was not reported in population-based cohorts in the Genome Aggregation Database (gnomAD). Based on the available evidence, this alteration is classified as pathogenic.

NM_022574.4:c.2227C>T

Gene: GIGYF1 (GRB10 interacting GYF protein 1; minus strand).
Variant type: single nucleotide variant.
Identifiers: ClinVar variation 4263655 (VCV004263655.1).